The following is an entry in ClinVar:

NM_003701.4(TNFSF11):c.214G>A (p.Ala72Thr)

Gene: TNFSF11 (TNF superfamily member 11; plus strand). Cytogenetic location: 13q14.11.
Variant type: single nucleotide variant.
Coding change: c.214G>A on transcript NM_003701.4 (MANE Select); coding-DNA position 214, G replaced by A.
Protein change: p.Ala72Thr; replaces alanine 72 with threonine.
Molecular consequence: missense variant. On other transcripts: intron variant (1).
Genome position (GRCh38, 1-based): chr13:42,574,517, G>A. VCF-style: chr13-42574517-G-A. GRCh37 (hg19) VCF-style: chr13-43148653-G-A.
Other names: c.-1+2779G>A (NM_033012.4); short protein forms A72T.
Identifiers: ClinVar variation 193255 (VCV000193255.23), dbSNP rs142756983, ClinGen allele CA238774.
Genomic context (GRCh38, chr13:42,574,517, plus strand): 5'-CTCCTGGGGCTGGGGCTGGGCCAGGTTGTCTGCAGCGTCGCCCTGTTCTTCTATTTCAGA[G>A]CGCAGGTGAGTGGCCACCTTCCCAGGGGATCGCGGCTGAGAGCGCCCATCTCCTTCCCCC-3'
Protein context (NP_003692.1, residues 62-82): CSVALFFYFR[Ala72Thr]QMDPNRISED

ClinVar aggregate classification (germline): Conflicting classifications of pathogenicity. Review status: criteria provided, conflicting classifications (1 of 4 stars). 5 submissions from 5 submitters: Uncertain significance (1); Likely benign (3). 1 of the submissions does not count toward it. Last evaluated 2026-02-01.

Conditions:
TNFSF11-related disorder. Also called: TNFSF11-related condition.
Autosomal recessive osteopetrosis 2. Also called: OSTEOPETROSIS, MILD AUTOSOMAL RECESSIVE FORM. Identifiers: Orphanet 667, MedGen C1850126, MONDO:0009816, OMIM 259710.

Allele frequency attached by ClinVar (database versions not stated): 1000 Genomes Project 30x 0.00031; 1000 Genomes Project 0.00040; ESP Exome Variant Server 0.00139; TOPMed 0.00140; gnomAD 0.00157 and 0.00164; gnomAD exomes 0.00187; ExAC 0.00286.
gnomAD v4.1: 3,224 of 1,607,588 alleles (0.2%); highest among the groups gnomAD compares: Non-Finnish European, 0.25%; 5 homozygotes.

Submissions (5):

Labcorp Genetics (formerly Invitae), Labcorp
Classification: Likely benign. Last evaluated: 2026-02-01. Review status: criteria provided, single submitter. Criteria: Invitae Variant Classification Sherloc (09022015). Collection method: clinical testing. Allele origin: germline.

Blueprint Genetics
Classification: Likely benign. Last evaluated: 2024-11-20. Review status: criteria provided, single submitter. Criteria: ACMG Guidelines, 2015. Collection method: clinical testing. Allele origin: germline.

Illumina Laboratory Services, Illumina
Classification: Likely benign for Autosomal recessive osteopetrosis 2. Last evaluated: 2018-01-13. Review status: criteria provided, single submitter. Criteria: ICSL Variant Classification Criteria 13 December 2019. Collection method: clinical testing. Allele origin: germline.
Comment: This variant was observed in the ICSL laboratory as part of a predisposition screen in an ostensibly healthy population. It had not been previously curated by ICSL or reported in the Human Gene Mutation Database (HGMD: prior to June 1st, 2018), and was therefore a candidate for classification through an automated scoring system. Utilizing variant allele frequency, disease prevalence and penetrance estimates, and inheritance mode, an automated score was calculated to assess if this variant is too frequent to cause the disease. Based on the score and internal cut-off values, a variant classified as likely benign is not then subjected to further curation. The score for this variant resulted in a classification of likely benign for this disease.

Eurofins Ntd Llc (ga)
Classification: Uncertain significance. Last evaluated: 2016-05-03. Review status: criteria provided, single submitter. Criteria: EGL Classification Definitions 2015. Collection method: clinical testing. Allele origin: germline. Observed: 2 variant alleles, 2 heterozygotes.

PreventionGenetics, part of Exact Sciences
Classification: Likely benign for TNFSF11-related condition. Last evaluated: 2023-05-05. Review status: no assertion criteria provided. Collection method: clinical testing. Allele origin: germline. Not counted in ClinVar's aggregate classification.
Comment: This variant is classified as likely benign based on ACMG/AMP sequence variant interpretation guidelines (Richards et al. 2015 PMID: 25741868, with internal and published modifications).